The following is an entry in ClinVar:

NM_000051.4(ATM):c.5185G>A (p.Val1729Ile)

Gene: ATM (ATM serine/threonine kinase; plus strand). Cytogenetic location: 11q22.3.
Variant type: single nucleotide variant.
Coding change: c.5185G>A on transcript NM_000051.4 (MANE Select); coding-DNA position 5185, G replaced by A.
Protein change: p.Val1729Ile; replaces valine 1729 with isoleucine.
Molecular consequence: missense variant.
Genome position (GRCh38, 1-based): chr11:108,301,655, G>A. VCF-style: chr11-108301655-G-A. GRCh37 (hg19) VCF-style: chr11-108172382-G-A.
Other names: c.5185G>A, p.Val1729Ile (NM_001351834.2); short protein forms V1729I.
Identifiers: ClinVar variation 1745881 (VCV001745881.2), dbSNP rs3092907, ClinGen allele CA382542118.

ClinVar aggregate classification (germline): Uncertain significance (1 of 4 stars; one submission).

Conditions:
Hereditary cancer-predisposing syndrome. Also called: Hereditary Cancer Syndrome; Neoplastic Syndromes, Hereditary; Tumor predisposition; Hereditary neoplastic syndrome. Identifiers: Orphanet 140162, MedGen C0027672, MeSH D009386, MONDO:0015356.

Submission:

Ambry Genetics
Classification: Uncertain significance for Hereditary cancer-predisposing syndrome. Last evaluated: 2021-06-25. Review status: criteria provided, single submitter. Criteria: Ambry Variant Classification Scheme 2023. Collection method: clinical testing. Allele origin: germline.
Comment: The p.V1729I variant (also known as c.5185G>A), located in coding exon 34 of the ATM gene, results from a G to A substitution at nucleotide position 5185. The valine at codon 1729 is replaced by isoleucine, an amino acid with highly similar properties. This amino acid position is well conserved in available vertebrate species. In addition, this alteration is predicted to be tolerated by in silico analysis. Since supporting evidence is limited at this time, the clinical significance of this alteration remains unclear.